The following is an entry in ClinVar:

ClinVar aggregate classification (germline): Conflicting classifications of pathogenicity. Review status: criteria provided, conflicting classifications (1 of 4 stars). 2 submissions from 2 submitters: Uncertain significance (1); Likely benign (1). Last evaluated 2025-10-09.

Allele frequency attached by ClinVar (database versions not stated): gnomAD 0.00003; gnomAD exomes 0.00004; TOPMed 0.00005.
gnomAD v4.1: 58 of 1,613,682 alleles (0.0036%); highest among the groups gnomAD compares: Middle Eastern, 0.033%; no homozygotes.

Submissions (2):

Labcorp Genetics (formerly Invitae), Labcorp
Classification: Uncertain significance. Last evaluated: 2025-10-09. Review status: criteria provided, single submitter. Criteria: Invitae Variant Classification Sherloc (09022015). Collection method: clinical testing. Allele origin: germline.
Comment: This sequence change replaces alanine, which is neutral and non-polar, with valine, which is neutral and non-polar, at codon 10 of the P2RY12 protein (p.Ala10Val). This variant is present in population databases (rs771379536, gnomAD 0.01%). This variant has not been reported in the literature in individuals affected with P2RY12-related conditions. ClinVar contains an entry for this variant (Variation ID: 2593582). An algorithm developed to predict the effect of missense changes on protein structure and function outputs the following: PolyPhen-2: "Benign". The valine amino acid residue is found in multiple mammalian species, which suggests that this missense change does not adversely affect protein function. In summary, the available evidence is currently insufficient to determine the role of this variant in disease. Therefore, it has been classified as a Variant of Uncertain Significance.

Ambry Genetics
Classification: Likely benign. Last evaluated: 2023-09-12. Review status: criteria provided, single submitter. Criteria: Ambry Variant Classification Scheme 2023. Collection method: clinical testing. Allele origin: germline.

NM_022788.5(P2RY12):c.29C>T (p.Ala10Val)

Genes: MED12L (mediator complex subunit 12L; plus strand), P2RY12 (purinergic receptor P2Y12; minus strand). Cytogenetic location: 3q25.1.
Variant type: single nucleotide variant.
Coding change: c.29C>T on transcript NM_022788.5 (MANE Select); coding-DNA position 29, C replaced by T.
Protein change: p.Ala10Val; replaces alanine 10 with valine.
Molecular consequence: missense variant. On other transcripts: intron variant (2).
Genome position (GRCh38, 1-based): chr3:151,338,817, G>A on the plus strand (C>T on the coding strand, the complement: P2RY12 is on the minus strand). VCF-style: chr3-151338817-G-A. GRCh37 (hg19) VCF-style: chr3-151056605-G-A.
Other names: c.29C>T, p.Ala10Val (NM_176876.3); c.2251-11242G>A (NM_001393769.1); c.2146-11242G>A (NM_053002.6); short protein forms A10V.
Identifiers: ClinVar variation 2593582 (VCV002593582.3), dbSNP rs771379536, ClinGen allele CA2667920.